The following is an entry in ClinVar:

ClinVar aggregate classification (germline): Pathogenic (1 of 4 stars; one submission).

Conditions:
Pyruvate carboxylase deficiency. Also called: ATAXIA WITH LACTIC ACIDOSIS II; LEIGH NECROTIZING ENCEPHALOPATHY DUE TO PYRUVATE CARBOXYLASE DEFICIENCY; LEIGH SYNDROME DUE TO PYRUVATE CARBOXYLASE DEFICIENCY; PC DEFICIENCY; Pyruvate Carboxylase Deficiency Disease. Identifiers: Orphanet 3008, MedGen C0034341, MONDO:0009949, OMIM 266150.

Submission:

Myriad Genetics, Inc.
Classification: Pathogenic for Pyruvate carboxylase deficiency. Last evaluated: 2023-12-13. Review status: criteria provided, single submitter. Criteria: Myriad Autosomal Dominant, Autosomal Recessive and X-Linked Classification Criteria (2023). Collection method: clinical testing. Allele origin: unknown.
Comment: NM_000920.3(PC):c.702delT(F234Lfs*63) is expected to be pathogenic in the context of pyruvate carboxylase deficiency. This variant is predicted to lead to an abnormal or absent protein product due to the creation of a premature termination codon in PC, a gene where loss-of-function variants are known to be pathogenic. Please note: this variant was assessed in the context of healthy population screening.

NM_001040716.2(PC):c.702del (p.Phe234fs)

Gene: PC (pyruvate carboxylase; minus strand). Cytogenetic location: 11q13.2.
Variant type: Deletion.
Coding change: c.702del on transcript NM_001040716.2 (MANE Select); coding-DNA position 702, one base deleted (T; older notation c.702delT).
Protein change: p.Phe234fs; shifts the reading frame from phenylalanine 234.
Molecular consequence: frameshift variant.
Genome position (GRCh38, 1-based): chr11:66,870,824, A deleted on the plus strand (T on the coding strand, the reverse complement: PC is on the minus strand); the first of 3 consecutive A bases (chr11:66,870,824-66,870,826); deleting any one gives the same sequence. VCF-style (leftmost placement, unchanged base first): chr11-66870823-CA-C. GRCh37 (hg19) VCF-style: chr11-66638294-CA-C.
Other names: c.702del, p.Phe234fs (NM_000920.4, NM_001439352.1, NM_001439353.1 and 5 more transcripts); short protein forms F234fs.
Identifiers: ClinVar variation 5012570 (VCV005012570.1).
Genomic context (GRCh38, chr11:66,870,823, plus strand): 5'-AGGACCACTCACCCAAGATCTGCACCTCGATGTGCCGTGGCTTCTCGATGAACTTCTCCA[CA>C]AACAGCGCCCCATTCCCAAAGGCGGCCAGAGCCTCTGAGTAGGCCCGGGTGTAATTCTCC-3'